The following is an entry in ClinVar:

ClinVar aggregate classification (germline): Conflicting classifications of pathogenicity. Review status: criteria provided, conflicting classifications (1 of 4 stars). 3 submissions from 3 submitters: Uncertain significance (2); Likely benign (1). Last evaluated 2025-09-24.

Conditions:
Cardiovascular phenotype. Identifiers: MedGen CN230736.
Hereditary cancer-predisposing syndrome. Also called: Neoplastic Syndromes, Hereditary; Hereditary Cancer Syndrome; Tumor predisposition; Hereditary neoplastic syndrome. Identifiers: Orphanet 140162, MedGen C0027672, MeSH D009386, MONDO:0015356.
Neurofibromatosis, type 1 (NF1). Also called: Peripheral type neurofibromatosis; VON RECKLINGHAUSEN DISEASE; NEUROFIBROMATOSIS, TYPE I, SOMATIC; Neurofibromatosis, type I. Identifiers: Orphanet 636, MedGen C0027831, MONDO:0018975, OMIM 162200. Disease mechanism: loss of function.

Allele frequency attached by ClinVar (database versions not stated): gnomAD exomes below 0.00001.
gnomAD v4.1: 1 of 1,614,228 alleles (0.000062%); highest among the groups gnomAD compares: Non-Finnish European, 0.000085%; no homozygotes.

Submissions (3):

Ambry Genetics
Classification: Uncertain significance for Cardiovascular phenotype; Hereditary cancer-predisposing syndrome. Last evaluated: 2025-09-24. Review status: criteria provided, single submitter. Criteria: Ambry Variant Classification Scheme 2023. Collection method: clinical testing. Allele origin: germline.
Comment: The p.I1223V variant (also known as c.3667A>G), located in coding exon 27 of the NF1 gene, results from an A to G substitution at nucleotide position 3667. The isoleucine at codon 1223 is replaced by valine, an amino acid with highly similar properties. This amino acid position is highly conserved in available vertebrate species. In addition, this alteration is predicted to be deleterious by in silico analysis. Based on the available evidence, the clinical significance of this variant remains unclear.

Labcorp Genetics (formerly Invitae), Labcorp
Classification: Likely benign for Neurofibromatosis, type 1. Last evaluated: 2025-07-13. Review status: criteria provided, single submitter. Criteria: Invitae Variant Classification Sherloc (09022015). Collection method: clinical testing. Allele origin: germline.

GeneDx
Classification: Uncertain significance. Last evaluated: 2023-11-15. Review status: criteria provided, single submitter. Criteria: GeneDx Variant Classification Process June 2021. Collection method: clinical testing. Allele origin: germline. Affected: yes.
Comment: Not observed at significant frequency in large population cohorts (gnomAD); In silico analysis supports that this missense variant does not alter protein structure/function; Has not been previously published as pathogenic or benign to our knowledge; This variant is associated with the following publications: (PMID: 22807134, 25486365)

NM_001042492.3(NF1):c.3667A>G (p.Ile1223Val)

Gene: NF1 (neurofibromin 1; plus strand). Cytogenetic location: 17q11.2.
Variant type: single nucleotide variant.
Coding change: c.3667A>G on transcript NM_001042492.3 (MANE Select); coding-DNA position 3667, A replaced by G.
Protein change: p.Ile1223Val; replaces isoleucine 1223 with valine.
Molecular consequence: missense variant.
Genome position (GRCh38, 1-based): chr17:31,233,172, A>G. VCF-style: chr17-31233172-A-G. GRCh37 (hg19) VCF-style: chr17-29560190-A-G.
Other names: c.3667A>G, p.Ile1223Val (NM_000267.4); short protein forms I1223V.
Identifiers: ClinVar variation 583268 (VCV000583268.11), dbSNP rs1567851470, ClinGen allele CA398990552.
Genomic context (GRCh38, chr17:31,233,172, plus strand): 5'-GATCGGTTTGAGAGATTGGTGGAACTGGTCACAATGATGGGTGATCAAGGAGAACTCCCT[A>G]TAGCGATGGCTCTGGCCAATGTGGTTCCTTGTTCTCAGTGGGTAAGTGATTAGAGTAAGC-3'
Protein context (NP_001035957.1, residues 1213-1233): TMMGDQGELP[Ile1223Val]AMALANVVPC